The following is an entry in ClinVar:

NM_001371986.1(UNC80):c.9404G>T (p.Arg3135Leu)

Gene: UNC80 (unc-80 subunit of NALCN channel complex; plus strand). Cytogenetic location: 2q34.
Variant type: single nucleotide variant.
Coding change: c.9404G>T on transcript NM_001371986.1 (MANE Select); coding-DNA position 9404, G replaced by T.
Protein change: p.Arg3135Leu; replaces arginine 3135 with leucine.
Molecular consequence: missense variant.
Genome position (GRCh38, 1-based): chr2:209,993,322, G>T. VCF-style: chr2-209993322-G-T. GRCh37 (hg19) VCF-style: chr2-210858046-G-T.
Other names: c.9206G>T, p.Arg3069Leu (NM_032504.2); c.9134G>T, p.Arg3045Leu (NM_182587.4); short protein forms R3045L, R3135L, R3069L.
Identifiers: ClinVar variation 1421051 (VCV001421051.6), dbSNP rs2093425631, ClinGen allele CA350415454.
Genomic context (GRCh38, chr2:209,993,322, plus strand): 5'-CCTCCTAGGCAGTTAGACCCTCTTGCAAGTTTTATTCTGCCTATTCTCTTTAGCTAAGAC[G>T]TCCTCTACTATCACGTCAGAAAACTCAGACTGAACCCAGAAATCGCCAAGGGGCTCGGCT-3'
Protein context (NP_001358915.1, residues 3125-3145): GRKRGLRQLR[Arg3135Leu]PLLSRQKTQT

ClinVar aggregate classification (germline): Uncertain significance (1 of 4 stars; one submission).

Allele frequency attached by ClinVar (database versions not stated): TOPMed below 0.00001; gnomAD 0.00001.
gnomAD v4.1: 2 of 1,551,558 alleles (0.00013%); highest among the groups gnomAD compares: Non-Finnish European, 0.00017%; no homozygotes.

Submission:

Labcorp Genetics (formerly Invitae), Labcorp
Classification: Uncertain significance. Last evaluated: 2021-04-06. Review status: criteria provided, single submitter. Criteria: Invitae Variant Classification Sherloc (09022015). Collection method: clinical testing. Allele origin: germline.
Comment: In summary, the available evidence is currently insufficient to determine the role of this variant in disease. Therefore, it has been classified as a Variant of Uncertain Significance. Algorithms developed to predict the effect of missense changes on protein structure and function are either unavailable or do not agree on the potential impact of this missense change (SIFT: "Not Available"; PolyPhen-2: "Probably Damaging"; Align-GVGD: "Not Available"). This variant has not been reported in the literature in individuals with UNC80-related conditions. This variant is not present in population databases (ExAC no frequency). This sequence change replaces arginine with leucine at codon 3069 of the UNC80 protein (p.Arg3069Leu). The arginine residue is weakly conserved and there is a moderate physicochemical difference between arginine and leucine.